The following is an entry in ClinVar:

NM_000316.3(PTH1R):c.512T>C (p.Val171Ala)

Gene: PTH1R (parathyroid hormone 1 receptor; plus strand). Cytogenetic location: 3p21.31.
Variant type: single nucleotide variant.
Coding change: c.512T>C on transcript NM_000316.3 (MANE Select); coding-DNA position 512, T replaced by C.
Protein change: p.Val171Ala; replaces valine 171 with alanine.
Molecular consequence: missense variant.
Genome position (GRCh38, 1-based): chr3:46,898,161, T>C. VCF-style: chr3-46898161-T-C. GRCh37 (hg19) VCF-style: chr3-46939651-T-C.
Other names: c.512T>C, p.Val171Ala (NM_001184744.1); short protein forms V171A.
Identifiers: ClinVar variation 4760315 (VCV004760315.1).

ClinVar aggregate classification (germline): Uncertain significance (1 of 4 stars; one submission).

gnomAD v4.1: 3 of 1,614,054 alleles (0.00019%); highest among the groups gnomAD compares: Non-Finnish European, 0.00025%; no homozygotes.

Submission:

Labcorp Genetics (formerly Invitae), Labcorp
Classification: Uncertain significance. Last evaluated: 2025-04-13. Review status: criteria provided, single submitter. Criteria: Invitae Variant Classification Sherloc (09022015). Collection method: clinical testing. Allele origin: germline.
Comment: This sequence change replaces valine, which is neutral and non-polar, with alanine, which is neutral and non-polar, at codon 171 of the PTH1R protein (p.Val171Ala). This variant is present in population databases (rs753460828, gnomAD 0.002%). This variant has not been reported in the literature in individuals affected with PTH1R-related conditions. Invitae Evidence Modeling of protein sequence and biophysical properties (such as structural, functional, and spatial information, amino acid conservation, physicochemical variation, residue mobility, and thermodynamic stability) indicates that this missense variant is not expected to disrupt PTH1R protein function with a negative predictive value of 80%. In summary, the available evidence is currently insufficient to determine the role of this variant in disease. Therefore, it has been classified as a Variant of Uncertain Significance.